The following is an entry in ClinVar:

ClinVar aggregate classification (germline): Benign (0 of 4 stars; one submission).

Conditions:
SAGE1-related disorder. Also called: SAGE1-related condition.

Allele frequency attached by ClinVar (database versions not stated): gnomAD exomes 0.00043; ExAC 0.00140; ESP Exome Variant Server 0.00388; 1000 Genomes Project 0.00424; gnomAD 0.00450; 1000 Genomes Project 30x 0.00458; TOPMed 0.00576.
gnomAD v4.1: 1,007 of 1,209,424 alleles (0.083%); highest among the groups gnomAD compares: African/African-American, 1.4%; 5 homozygotes.

Submission:

PreventionGenetics, part of Exact Sciences
Classification: Benign for SAGE1-related condition. Last evaluated: 2019-08-14. Review status: no assertion criteria provided. Collection method: clinical testing. Allele origin: germline.
Comment: This variant is classified as benign based on ACMG/AMP sequence variant interpretation guidelines (Richards et al. 2015 PMID: 25741868, with internal and published modifications).

NM_001381902.1(SAGE1):c.2297A>T (p.Asp766Val)

Gene: SAGE1 (sarcoma antigen 1; plus strand). Cytogenetic location: Xq26.3.
Variant type: single nucleotide variant.
Coding change: c.2297A>T on transcript NM_001381902.1 (MANE Select); coding-DNA position 2297, A replaced by T.
Protein change: p.Asp766Val; replaces aspartic acid 766 with valine.
Molecular consequence: missense variant.
Genome position (GRCh38, 1-based): chrX:135,911,729, A>T. VCF-style: chrX-135911729-A-T. GRCh37 (hg19) VCF-style: chrX-134993888-A-T.
Other names: c.2297A>T, p.Asp766Val (NM_018666.3); short protein forms D766V.
Identifiers: ClinVar variation 3052324 (VCV003052324.2), dbSNP rs147884544, ClinGen allele CA10524384.